The following is an entry in ClinVar:

ClinVar aggregate classification (germline): Uncertain significance. Review status: criteria provided, multiple submitters, no conflicts (2 of 4 stars). 3 submissions from 3 submitters: Uncertain significance (2). 1 of the submissions does not count toward it. Last evaluated 2025-09-26.

Conditions:
ADAMTS10-related disorder. Also called: ADAMTS10-related condition.
Inborn genetic diseases. Identifiers: MedGen C0950123, MeSH D030342.

Allele frequency attached by ClinVar (database versions not stated): TOPMed 0.00002; ExAC 0.00003; gnomAD 0.00003.

Submissions (3):

Ambry Genetics
Classification: Uncertain significance for Inborn genetic diseases. Last evaluated: 2025-09-26. Review status: criteria provided, single submitter. Criteria: Ambry Variant Classification Scheme 2023. Collection method: clinical testing. Allele origin: germline.

Labcorp Genetics (formerly Invitae), Labcorp
Classification: Uncertain significance. Last evaluated: 2025-09-08. Review status: criteria provided, single submitter. Criteria: Invitae Variant Classification Sherloc (09022015). Collection method: clinical testing. Allele origin: germline.
Comment: This sequence change replaces arginine, which is basic and polar, with cysteine, which is neutral and slightly polar, at codon 226 of the ADAMTS10 protein (p.Arg226Cys). This variant is present in population databases (rs782817022, gnomAD 0.007%). This variant has not been reported in the literature in individuals affected with ADAMTS10-related conditions. ClinVar contains an entry for this variant (Variation ID: 1931007). An algorithm developed to predict the effect of missense changes on protein structure and function (PolyPhen-2) suggests that this variant is likely to be tolerated. In summary, the available evidence is currently insufficient to determine the role of this variant in disease. Therefore, it has been classified as a Variant of Uncertain Significance.

PreventionGenetics, part of Exact Sciences
Classification: Uncertain significance for ADAMTS10-related condition. Last evaluated: 2024-02-19. Review status: no assertion criteria provided. Collection method: clinical testing. Allele origin: germline. Not counted in ClinVar's aggregate classification.
Comment: The ADAMTS10 c.676C>T variant is predicted to result in the amino acid substitution p.Arg226Cys. To our knowledge, this variant has not been reported in the literature. This variant is reported in 0.0070% of alleles in individuals of European (Non-Finnish) descent in gnomAD. At this time, the clinical significance of this variant is uncertain due to the absence of conclusive functional and genetic evidence.

NM_030957.4(ADAMTS10):c.676C>T (p.Arg226Cys)

Gene: ADAMTS10 (ADAM metallopeptidase with thrombospondin type 1 motif 10; minus strand). Cytogenetic location: 19p13.2.
Variant type: single nucleotide variant.
Coding change: c.676C>T on transcript NM_030957.4 (MANE Select); coding-DNA position 676, C replaced by T.
Protein change: p.Arg226Cys; replaces arginine 226 with cysteine.
Molecular consequence: missense variant.
Genome position (GRCh38, 1-based): chr19:8,601,062, G>A on the plus strand (C>T on the coding strand, the complement: ADAMTS10 is on the minus strand). VCF-style: chr19-8601062-G-A. GRCh37 (hg19) VCF-style: chr19-8665946-G-A.
Other names: c.676C>T (NM_030957.2, NM_030957.3); short protein forms R226C.
Identifiers: ClinVar variation 1931007 (VCV001931007.7), dbSNP rs782817022, ClinGen allele CA9160753.
Genomic context (GRCh38, chr19:8,601,062, plus strand): 5'-CCACCAGGGTCTCCACGTAGCGCTCTCGGCTGACCGATCGCTTCAGGCCTGGCTGGCCAC[G>A]CTCTGTTTCATTCCCCAGGGGCCTGGCAGGCGGTGGCTTCAAGGTCCGCAGCCACCATGG-3'
Protein context (NP_112219.3, residues 216-236): PARPLGNETE[Arg226Cys]GQPGLKRSVS